The following is an entry in ClinVar:

ClinVar aggregate classification (germline): Benign. Review status: criteria provided, multiple submitters, no conflicts (2 of 4 stars). 4 submissions from 4 submitters: Benign (4). Last evaluated 2023-01-27.

Conditions:
Hereditary factor VIII deficiency disease (HEMA). Also called: AUTOSOMAL HEMOPHILIA A; HEM A; Factor 8 deficiency, congenital; Hemophilia A, congenital; HEMOPHILIA, CLASSIC; Hemophilia A. Identifiers: Orphanet 98878, MedGen C0019069, MONDO:0010602, OMIM 306700.

Allele frequency attached by ClinVar (database versions not stated): gnomAD exomes 0.00127 and 0.00345; ExAC 0.00689; gnomAD 0.01234 and 0.01323; 1000 Genomes Project 30x 0.01249; 1000 Genomes Project 0.01272; TOPMed 0.01445; ESP Exome Variant Server 0.01592.
gnomAD v4.1: 2,780 of 1,179,639 alleles (0.24%); highest among the groups gnomAD compares: African/African-American, 4.5%; 36 homozygotes.

Submissions (4):

Mayo Clinic Laboratories, Mayo Clinic
Classification: Benign. Last evaluated: 2023-01-27. Review status: criteria provided, single submitter. Criteria: ACMG Guidelines, 2015. Collection method: clinical testing. Allele origin: germline. Observed: 7 variant alleles.
Comment: BS1, BS2, BP4, BP7

ARUP Laboratories, Molecular Genetics and Genomics, ARUP Laboratories
Classification: Benign for Hereditary factor VIII deficiency disease. Last evaluated: 2019-11-11. Review status: criteria provided, single submitter. Criteria: ARUP Molecular Germline Variant Investigation Process. Collection method: clinical testing. Allele origin: germline.

Illumina Laboratory Services, Illumina
Classification: Benign for Hereditary factor VIII deficiency disease. Last evaluated: 2018-01-12. Review status: criteria provided, single submitter. Criteria: ICSL Variant Classification Criteria 13 December 2019. Collection method: clinical testing. Allele origin: germline.
Comment: This variant was observed in the ICSL laboratory as part of a predisposition screen in an ostensibly healthy population. It had not been previously curated by ICSL or reported in the Human Gene Mutation Database (HGMD: prior to June 1st, 2018), and was therefore a candidate for classification through an automated scoring system. Utilizing variant allele frequency, disease prevalence and penetrance estimates, and inheritance mode, an automated score was calculated to assess if this variant is too frequent to cause the disease. Based on the score and internal cut-off values, a variant classified as benign is not then subjected to further curation. The score for this variant resulted in a classification of benign for this disease.

Breakthrough Genomics
Classification: Benign. Review status: criteria provided, single submitter. Criteria: ACMG Guidelines, 2015. Collection method: not provided. Allele origin: germline. Inheritance: X-linked inheritance. Affected: yes.

NM_000132.4(F8):c.*29C>T

Gene: F8 (coagulation factor VIII; minus strand). Cytogenetic location: Xq28.
Variant type: single nucleotide variant.
Coding change: c.*29C>T on transcript NM_000132.4 (MANE Select); 29 bases downstream of the stop codon, C replaced by T.
Molecular consequence: 3 prime UTR variant.
Genome position (GRCh38, 1-based): chrX:154,837,568, G>A on the plus strand (C>T on the coding strand, the complement: F8 is on the minus strand). VCF-style: chrX-154837568-G-A. GRCh37 (hg19) VCF-style: chrX-154065843-G-A.
Other names: c.*29C>T (NM_019863.3).
Identifiers: ClinVar variation 368114 (VCV000368114.15), dbSNP rs5986887, ClinGen allele CA10567718.
Genomic context (GRCh38, chrX:154,837,568, plus strand): 5'-CAAAGGTAGAAGGCAAGCCAGGGAGGGACACTGCCCTGGAGCTGAGGAGGGAGAGGTGAC[G>A]GCAGTGGCAGGTGCTGCAGTGGCCACCCTCAGTAGAGGTCCTGTGCCTCGCAGCCCAGAA-3'